The following is an entry in ClinVar:

ClinVar aggregate classification (germline): Uncertain significance. Review status: criteria provided, multiple submitters, no conflicts (2 of 4 stars). 6 submissions from 6 submitters: Uncertain significance (5). 1 of the submissions does not count toward it. Last evaluated 2025-09-10.

Conditions:
PCDH15-related disorder. Also called: PCDH15-related condition; PCDH15-related disorders.
Inborn genetic diseases. Identifiers: MedGen C0950123, MeSH D030342.
Autosomal recessive nonsyndromic hearing loss 23. Identifiers: Orphanet 90636, MedGen C1836027, MONDO:0012293, OMIM 609533.
Usher syndrome type 1D (USH1D). Also called: USHER SYNDROME, TYPE ID. Identifiers: Orphanet 231169, Orphanet 886, MedGen C1832845, MONDO:0010984, OMIM 601067.
Usher syndrome type 1F (USH1F). Also called: USHER SYNDROME, TYPE IF. Identifiers: Orphanet 231169, Orphanet 886, MedGen C1865885, MONDO:0011186, OMIM 602083.

Allele frequency attached by ClinVar (database versions not stated): ExAC 0.00001; gnomAD 0.00005; TOPMed 0.00005; gnomAD exomes below 0.00001.
gnomAD v4.1: 8 of 1,613,904 alleles (0.0005%); highest among the groups gnomAD compares: African/African-American, 0.011%; no homozygotes.

Submissions (6):

Ambry Genetics
Classification: Uncertain significance for Inborn genetic diseases. Last evaluated: 2025-09-10. Review status: criteria provided, single submitter. Criteria: Ambry Variant Classification Scheme 2023. Collection method: clinical testing. Allele origin: germline.

PreventionGenetics, part of Exact Sciences
Classification: Uncertain significance for PCDH15-related condition. Last evaluated: 2024-12-23. Review status: criteria provided, single submitter. Criteria: ACMG Guidelines, 2015. Collection method: clinical testing. Allele origin: germline.
Comment: The PCDH15 c.4925G>A variant is predicted to result in the amino acid substitution p.Gly1642Asp. To our knowledge, this variant has not been reported in the literature. This variant is reported in 0.016% of alleles in individuals of African descent in gnomAD. At this time, the clinical significance of this variant is uncertain due to the absence of conclusive functional and genetic evidence.

Fulgent Genetics
Classification: Uncertain significance for Usher syndrome type 1D; Usher syndrome type 1F; Autosomal recessive nonsyndromic hearing loss 23. Last evaluated: 2021-11-10. Review status: criteria provided, single submitter. Criteria: ACMG Guidelines, 2015. Collection method: clinical testing. Allele origin: unknown.

Labcorp Genetics (formerly Invitae), Labcorp
Classification: Uncertain significance. Last evaluated: 2021-09-01. Review status: criteria provided, single submitter. Criteria: Invitae Variant Classification Sherloc (09022015). Collection method: clinical testing. Allele origin: germline.
Comment: This sequence change replaces glycine with aspartic acid at codon 1642 of the PCDH15 protein (p.Gly1642Asp). The glycine residue is weakly conserved and there is a moderate physicochemical difference between glycine and aspartic acid. This variant is present in population databases (rs745335831, ExAC 0.01%). This variant has not been reported in the literature in individuals affected with PCDH15-related conditions. ClinVar contains an entry for this variant (Variation ID: 505300). Algorithms developed to predict the effect of missense changes on protein structure and function (SIFT, PolyPhen-2, Align-GVGD) all suggest that this variant is likely to be tolerated. In summary, the available evidence is currently insufficient to determine the role of this variant in disease. Therefore, it has been classified as a Variant of Uncertain Significance.

Laboratory for Molecular Medicine, Mass General Brigham Personalized Medicine
Classification: Uncertain significance. Last evaluated: 2016-09-22. Review status: criteria provided, single submitter. Criteria: LMM Criteria. Collection method: clinical testing. Allele origin: germline. Observed: 1 variant allele.
Comment: Variant classified as Uncertain Significance - Favor Benign. The p.Gly1642Asp va riant in PCDH15 has not been previously reported in individuals with hearing los s or Usher syndrome. This variant has been identified in 1/10406 African chromos omes by the Exome Aggregation Consortium (ExAC; dbSNP rs745335831); however, this frequency is not high enough to rule out a pat hogenic role. The glycine (Gly) at position 1642 is not conserved in mammals or evolutionarily distant species, supporting that a change at this position may be tolerated. Additional computational prediction tools suggest that the p.Gly1642 Asp variant may not impact the protein, though this information is not predictiv e enough to rule out pathogenicity. In summary, while the clinical significance of the p.Gly1642Asp variant is uncertain, these data suggest that it is more lik ely to be benign.

Natera, Inc.
Classification: Uncertain significance for Usher syndrome type 1F. Last evaluated: 2020-03-27. Review status: no assertion criteria provided. Collection method: clinical testing. Allele origin: germline. Not counted in ClinVar's aggregate classification.

NM_033056.4(PCDH15):c.4925G>A (p.Gly1642Asp)

Gene: PCDH15 (protocadherin related 15; minus strand). Cytogenetic location: 10q21.1.
Variant type: single nucleotide variant.
Coding change: c.4925G>A on transcript NM_033056.4 (MANE Plus Clinical); coding-DNA position 4925, G replaced by A.
Protein change: p.Gly1642Asp; replaces glycine 1642 with aspartic acid.
Molecular consequence: missense variant. On other transcripts: intron variant (8).
Genome position (GRCh38, 1-based): chr10:53,822,801, C>T on the plus strand (G>A on the coding strand, the complement: PCDH15 is on the minus strand). VCF-style: chr10-53822801-C-T. GRCh37 (hg19) VCF-style: chr10-55582561-C-T.
Other names: c.4946G>A, p.Gly1649Asp (NM_001142763.2); c.4931G>A, p.Gly1644Asp (NM_001142764.2); c.4718G>A, p.Gly1573Asp (NM_001142765.2); c.4916G>A, p.Gly1639Asp (NM_001142766.2); c.4805G>A, p.Gly1602Asp (NM_001142767.2); c.4865G>A, p.Gly1622Asp (NM_001142768.2); c.4856G>A, p.Gly1619Asp (NM_001142773.2); c.4859G>A, p.Gly1620Asp (NM_001354404.2); and 6 more; short protein forms G1642D, G1619D, G1649D, G1620D, G1622D, G1639D, G1644D, G1573D.
Identifiers: ClinVar variation 505300 (VCV000505300.14), dbSNP rs745335831, ClinGen allele CA5505161.